The following is an entry in ClinVar:

NM_015450.3(POT1):c.817C>G (p.Arg273Gly)

Gene: POT1 (protection of telomeres 1; minus strand). Cytogenetic location: 7q31.33.
Variant type: single nucleotide variant.
Coding change: c.817C>G on transcript NM_015450.3 (MANE Select); coding-DNA position 817, C replaced by G.
Protein change: p.Arg273Gly; replaces arginine 273 with glycine.
Molecular consequence: missense variant. On other transcripts: non-coding transcript variant (3).
Genome position (GRCh38, 1-based): chr7:124,853,024, G>C on the plus strand (C>G on the coding strand, the complement: POT1 is on the minus strand). VCF-style: chr7-124853024-G-C. GRCh37 (hg19) VCF-style: chr7-124493078-G-C.
Other names: c.424C>G, p.Arg142Gly (NM_001042594.2); short protein forms R142G, R273G.
Identifiers: ClinVar variation 1503501 (VCV001503501.6), dbSNP rs1554423983, ClinGen allele CA369055346.

ClinVar aggregate classification (germline): Uncertain significance (1 of 4 stars; one submission).

Conditions:
Tumor predisposition syndrome 3 (TPDS3). Also called: Melanoma, cutaneous malignant, susceptibility to, 10; LONG TELOMERE SYNDROME, POT1-RELATED; POT1 Tumor Predisposition; Glioma susceptibility 9. Identifiers: Orphanet 618, MedGen C4014476, MONDO:0014368, OMIM 615848.

Submission:

Labcorp Genetics (formerly Invitae), Labcorp
Classification: Uncertain significance for Tumor predisposition syndrome 3. Last evaluated: 2021-08-31. Review status: criteria provided, single submitter. Criteria: Invitae Variant Classification Sherloc (09022015). Collection method: clinical testing. Allele origin: germline.
Comment: This sequence change replaces arginine with glycine at codon 273 of the POT1 protein (p.Arg273Gly). The arginine residue is highly conserved and there is a moderate physicochemical difference between arginine and glycine. This variant is not present in population databases (ExAC no frequency). This variant has not been reported in the literature in individuals affected with POT1-related conditions. Algorithms developed to predict the effect of missense changes on protein structure and function (SIFT, PolyPhen-2, Align-GVGD) all suggest that this variant is likely to be disruptive. In summary, the available evidence is currently insufficient to determine the role of this variant in disease. Therefore, it has been classified as a Variant of Uncertain Significance.